The following is an entry in ClinVar:

NM_002294.3(LAMP2):c.371_375del (p.Thr124fs)

Gene: LAMP2 (lysosomal associated membrane protein 2; minus strand). Cytogenetic location: Xq24.
Variant type: Deletion.
Coding change: c.371_375del on transcript NM_002294.3 (MANE Select); coding-DNA positions 371 to 375, 5 bases deleted (CAACA; older notation c.371_375delCAACA).
Protein change: p.Thr124fs; shifts the reading frame from threonine 124.
Molecular consequence: frameshift variant.
Genome position (GRCh38, 1-based): chrX:120,455,379-120,455,383, TGTTG deleted on the plus strand (CAACA on the coding strand, the reverse complement: LAMP2 is on the minus strand); deleting any 5 consecutive bases within chrX:120,455,379-120,455,387 gives the same sequence; the c. name uses the placement nearest the transcript's 3' end. VCF-style (leftmost placement, unchanged base first): chrX-120455378-ATGTTG-A. GRCh37 (hg19) VCF-style: chrX-119589233-ATGTTG-A.
Other names: c.371_375del, p.Thr124fs (NM_001122606.1, NM_013995.2); c.371_375delCAACA (NM_002294.2); short protein forms T124fs.
Identifiers: ClinVar variation 1734193 (VCV001734193.3), dbSNP rs2520906991, ClinGen allele CA2580100335.

ClinVar aggregate classification (germline): Pathogenic (1 of 4 stars; one submission).

Conditions:
Cardiovascular phenotype. Identifiers: MedGen CN230736.

Submission:

Ambry Genetics
Classification: Pathogenic for Cardiovascular phenotype. Last evaluated: 2023-08-10. Review status: criteria provided, single submitter. Criteria: Ambry Variant Classification Scheme 2023. Collection method: clinical testing. Allele origin: germline.
Comment: The c.371_375delCAACA pathogenic mutation, located in coding exon 3 of the LAMP2 gene, results from a deletion of 5 nucleotides at nucleotide positions 371 to 375, causing a translational frameshift with a predicted alternate stop codon (p.T124Ifs*3). This variant is considered to be rare based on population cohorts in the Genome Aggregation Database (gnomAD). This alteration is expected to result in loss of function by premature protein truncation or nonsense-mediated mRNA decay. As such, this alteration is interpreted as a disease-causing mutation.